The following is an entry in ClinVar:

ClinVar aggregate classification (germline): Pathogenic (1 of 4 stars; one submission).

Conditions:
Dilated cardiomyopathy 1G (CMD1G). Identifiers: Orphanet 154, MedGen C1858763, MONDO:0011400, OMIM 604145.
Autosomal recessive limb-girdle muscular dystrophy type 2J (LGMDR10). Also called: Limb-girdle muscular dystrophy, type 2J; MUSCULAR DYSTROPHY, LIMB-GIRDLE, AUTOSOMAL RECESSIVE 10. Identifiers: Orphanet 140922, MedGen C1837342, MONDO:0012127, OMIM 608807.

Allele frequency attached by ClinVar (database versions not stated): gnomAD exomes below 0.00001.
gnomAD v4.1: 1 of 1,612,750 alleles (0.000062%); highest among the groups gnomAD compares: Non-Finnish European, 0.000085%; no homozygotes.

Submission:

Labcorp Genetics (formerly Invitae), Labcorp
Classification: Pathogenic for Dilated cardiomyopathy 1G; Autosomal recessive limb-girdle muscular dystrophy type 2J. Last evaluated: 2024-10-18. Review status: criteria provided, single submitter. Criteria: Invitae Variant Classification Sherloc (09022015). Collection method: clinical testing. Allele origin: germline.
Comment: This sequence change affects an acceptor splice site in intron 127 of the TTN gene. It is expected to disrupt RNA splicing and likely results in a truncated or disrupted TTN protein. This variant is not present in population databases (gnomAD no frequency). Disruption of this splice site has been observed in individual(s) with autosomal recessive centronuclear myopathy (PMID: 34295493). In at least one individual the data is consistent with being in trans (on the opposite chromosome) from a pathogenic variant. ClinVar contains an entry for this variant (Variation ID: 1016464). Algorithms developed to predict the effect of sequence changes on RNA splicing suggest that this variant may disrupt the consensus splice site. This variant is located in the I band of TTN (PMID: 25589632). Truncating variants in this region have been reported in individuals affected with autosomal recessive centronuclear myopathy (PMID: 23975875, internal data). Truncating variants in this region have also been identified in individuals affected with autosomal dominant dilated cardiomyopathy and/or cardio-related conditions (PMID: 27869827, 32964742, internal data). For these reasons, this variant has been classified as Pathogenic.

Literature cited by the submitters: PubMed 34295493; PubMed 25589632; PubMed 23975875; PubMed 27869827; PubMed 32964742.

NM_001267550.2(TTN):c.32312-1G>C

Gene: TTN (titin; minus strand). Cytogenetic location: 2q31.2.
Variant type: single nucleotide variant.
Coding change: c.32312-1G>C on transcript NM_001267550.2 (MANE Select); the canonical splice acceptor site of the intron before coding-DNA position 32312, G replaced by C.
Molecular consequence: splice acceptor variant. On other transcripts: intron variant (3).
Genome position (GRCh38, 1-based): chr2:178,685,599, C>G on the plus strand (G>C on the coding strand, the complement: TTN is on the minus strand). VCF-style: chr2-178685599-C-G. GRCh37 (hg19) VCF-style: chr2-179550326-C-G.
Other names: c.13283-43282G>C (NM_003319.4); c.13859-43282G>C (NM_133437.4); c.13658-43282G>C (NM_133432.3); c.28580-1G>C (NM_133378.4); c.31361-1G>C (NM_001256850.1).
Identifiers: ClinVar variation 1016464 (VCV001016464.9), dbSNP rs2070649864, ClinGen allele CA349549702.